The following is an entry in ClinVar:

NM_001018113.3(FANCB):c.341G>A (p.Ser114Asn)

Gene: FANCB (FA complementation group B; minus strand). Cytogenetic location: Xp22.2.
Variant type: single nucleotide variant.
Coding change: c.341G>A on transcript NM_001018113.3 (MANE Select); coding-DNA position 341, G replaced by A.
Protein change: p.Ser114Asn; replaces serine 114 with asparagine.
Molecular consequence: missense variant.
Genome position (GRCh38, 1-based): chrX:14,865,170, C>T on the plus strand (G>A on the coding strand, the complement: FANCB is on the minus strand). VCF-style: chrX-14865170-C-T. GRCh37 (hg19) VCF-style: chrX-14883292-C-T.
Other names: c.341G>A, p.Ser114Asn (NM_001324162.2, NM_152633.4); short protein forms S114N.
Identifiers: ClinVar variation 1041521 (VCV001041521.8), dbSNP rs1254494594, ClinGen allele CA412444727.

ClinVar aggregate classification (germline): Uncertain significance (1 of 4 stars; one submission).

Conditions:
Fanconi anemia (FA). Also called: Fanconi's anemia. Identifiers: Orphanet 84, MedGen C0015625, MeSH D005199, MONDO:0019391.

Allele frequency attached by ClinVar (database versions not stated): gnomAD exomes 0.00001.
gnomAD v4.1: 3 of 1,178,646 alleles (0.00025%); highest among the groups gnomAD compares: Admixed American, 0.0075%; no homozygotes.

Submission:

Labcorp Genetics (formerly Invitae), Labcorp
Classification: Uncertain significance for Fanconi anemia. Last evaluated: 2020-05-15. Review status: criteria provided, single submitter. Criteria: Invitae Variant Classification Sherloc (09022015). Collection method: clinical testing. Allele origin: germline.
Comment: In summary, the available evidence is currently insufficient to determine the role of this variant in disease. Therefore, it has been classified as a Variant of Uncertain Significance. Algorithms developed to predict the effect of missense changes on protein structure and function output the following: SIFT: "Tolerated"; PolyPhen-2: "Benign"; Align-GVGD: "Class C0". The asparagine amino acid residue is found in multiple mammalian species, suggesting that this missense change does not adversely affect protein function. These predictions have not been confirmed by published functional studies and their clinical significance is uncertain. This variant has not been reported in the literature in individuals with FANCB-related conditions. This variant is not present in population databases (ExAC no frequency). This sequence change replaces serine with asparagine at codon 114 of the FANCB protein (p.Ser114Asn). The serine residue is moderately conserved and there is a small physicochemical difference between serine and asparagine.